The following is an entry in ClinVar:

NM_139027.6(ADAMTS13):c.20G>A (p.Arg7Gln)

Gene: ADAMTS13 (ADAM metallopeptidase with thrombospondin type 1 motif 13; plus strand). Cytogenetic location: 9q34.2.
Variant type: single nucleotide variant.
Coding change: c.20G>A on transcript NM_139027.6 (MANE Select); coding-DNA position 20, G replaced by A.
Protein change: p.Arg7Gln; replaces arginine 7 with glutamine.
Molecular consequence: missense variant.
Genome position (GRCh38, 1-based): chr9:133,422,463, G>A. VCF-style: chr9-133422463-G-A. GRCh37 (hg19) VCF-style: chr9-136287583-G-A.
Other names: c.20G>A, p.Arg7Gln (NM_139025.5, NM_139026.6); short protein forms R7Q.
Identifiers: ClinVar variation 1937738 (VCV001937738.2), dbSNP rs782744929, ClinGen allele CA200879023.

ClinVar aggregate classification (germline): Uncertain significance (1 of 4 stars; one submission).

Allele frequency attached by ClinVar (database versions not stated): TOPMed 0.00001; gnomAD 0.00002; ExAC 0.00005.
gnomAD v4.1: 23 of 1,613,762 alleles (0.0014%); highest among the groups gnomAD compares: South Asian, 0.011%; no homozygotes.

Submission:

Labcorp Genetics (formerly Invitae), Labcorp
Classification: Uncertain significance. Last evaluated: 2022-02-25. Review status: criteria provided, single submitter. Criteria: Invitae Variant Classification Sherloc (09022015). Collection method: clinical testing. Allele origin: germline.
Comment: This sequence change replaces arginine, which is basic and polar, with glutamine, which is neutral and polar, at codon 7 of the ADAMTS13 protein (p.Arg7Gln). This variant is present in population databases (rs782744929, gnomAD 0.02%). This variant has not been reported in the literature in individuals affected with ADAMTS13-related conditions. Algorithms developed to predict the effect of missense changes on protein structure and function output the following: SIFT: "Tolerated"; PolyPhen-2: "Benign"; Align-GVGD: "Class C0". The glutamine amino acid residue is found in multiple mammalian species, which suggests that this missense change does not adversely affect protein function. In summary, the available evidence is currently insufficient to determine the role of this variant in disease. Therefore, it has been classified as a Variant of Uncertain Significance.